The following is an entry in ClinVar:

NM_139242.4(MTFMT):c.10T>G (p.Leu4Val)

Genes: MTFMT (mitochondrial methionyl-tRNA formyltransferase; minus strand), LOC130057309 (ATAC-STARR-seq lymphoblastoid silent region 6550; plus strand). Cytogenetic location: 15q22.31.
Variant type: single nucleotide variant.
Coding change: c.10T>G on transcript NM_139242.4 (MANE Select); coding-DNA position 10, T replaced by G.
Protein change: p.Leu4Val; replaces leucine 4 with valine.
Molecular consequence: missense variant.
Genome position (GRCh38, 1-based): chr15:65,029,604, A>C on the plus strand (T>G on the coding strand, the complement: MTFMT is on the minus strand). VCF-style: chr15-65029604-A-C. GRCh37 (hg19) VCF-style: chr15-65321942-A-C.
Other names: short protein forms L4V.
Identifiers: ClinVar variation 1365330 (VCV001365330.7), dbSNP rs766734981, ClinGen allele CA7613447.

ClinVar aggregate classification (germline): Uncertain significance (1 of 4 stars; one submission).

Allele frequency attached by ClinVar (database versions not stated): gnomAD 0.00001; gnomAD exomes 0.00003.

Submission:

Labcorp Genetics (formerly Invitae), Labcorp
Classification: Uncertain significance. Last evaluated: 2024-10-15. Review status: criteria provided, single submitter. Criteria: Invitae Variant Classification Sherloc (09022015). Collection method: clinical testing. Allele origin: germline.
Comment: This sequence change replaces leucine, which is neutral and non-polar, with valine, which is neutral and non-polar, at codon 4 of the MTFMT protein (p.Leu4Val). This variant is present in population databases (rs766734981, gnomAD 0.004%). This variant has not been reported in the literature in individuals affected with MTFMT-related conditions. ClinVar contains an entry for this variant (Variation ID: 1365330). Invitae Evidence Modeling of protein sequence and biophysical properties (such as structural, functional, and spatial information, amino acid conservation, physicochemical variation, residue mobility, and thermodynamic stability) indicates that this missense variant is not expected to disrupt MTFMT protein function with a negative predictive value of 95%. In summary, the available evidence is currently insufficient to determine the role of this variant in disease. Therefore, it has been classified as a Variant of Uncertain Significance.